The following is an entry in ClinVar:

ClinVar aggregate classification (germline): Likely pathogenic (1 of 4 stars; one submission).

Conditions:
Fabry disease. Also called: Fabry's disease; ALPHA-GALACTOSIDASE A DEFICIENCY; ANDERSON-FABRY DISEASE; CERAMIDE TRIHEXOSIDASE DEFICIENCY; GLA DEFICIENCY; HEREDITARY DYSTOPIC LIPIDOSIS. Identifiers: Orphanet 324, MedGen C0002986, MONDO:0010526, OMIM 301500, HP:0001071. Disease mechanism: Fabry disease is due to inactivating mutations in the X-linked GLA gene resulting in deficiency of the enzyme Alpha Galactosidase-A., loss of function.

Submission:

Genomenon, Inc
Classification: Likely pathogenic for Fabry disease. Last evaluated: 2026-09-08. Review status: criteria provided, single submitter. Criteria: Genomenon Sequence Variant Interpretation Standards - Updated. Collection method: curation. Allele origin: germline. Affected: no.
Comment: GLA p.Gly375Ter (c.1123G>T) is a nonsense variant that introduces a premature stop codon at amino acid position 375 and is predicted to result in a truncated or absent protein product. This variant has been reported in the published literature (PMID:11531969). It is absent or not present at a significant frequency in gnomAD. In conclusion, we classify GLA p.Gly375Ter (c.1123G>T) as a likely pathogenic variant.

Literature cited by the submitters: PubMed 11531969.

NM_000169.3(GLA):c.1123G>T (p.Gly375Ter)

Genes: GLA (galactosidase alpha; minus strand), RPL36A-HNRNPH2 (RPL36A-HNRNPH2 readthrough; plus strand). Cytogenetic location: Xq22.1.
Variant type: single nucleotide variant.
Coding change: c.1123G>T on transcript NM_000169.3 (MANE Select); coding-DNA position 1123, G replaced by T.
Protein change: p.Gly375Ter; replaces glycine 375 with a stop codon.
Molecular consequence: nonsense. On other transcripts: non-coding transcript variant (3), intron variant (2).
Genome position (GRCh38, 1-based): chrX:101,397,976, C>A on the plus strand (G>T on the coding strand, the complement: GLA is on the minus strand). VCF-style: chrX-101397976-C-A. GRCh37 (hg19) VCF-style: chrX-100652964-C-A.
Other names: c.1246G>T, p.Gly416Ter (NM_001406747.1); c.300+2519C>A (NM_001199973.2); c.177+6154C>A (NM_001199974.2); short protein forms G375*, G416*.
Identifiers: ClinVar variation 4974856 (VCV004974856.1).